The following is an entry in ClinVar:

NM_001040458.3(ERAP1):c.380G>C (p.Arg127Pro)

Gene: ERAP1 (endoplasmic reticulum aminopeptidase 1; minus strand). Cytogenetic location: 5q15.
Variant type: single nucleotide variant.
Coding change: c.380G>C on transcript NM_001040458.3 (MANE Select); coding-DNA position 380, G replaced by C.
Protein change: p.Arg127Pro; replaces arginine 127 with proline.
Molecular consequence: missense variant.
Genome position (GRCh38, 1-based): chr5:96,803,547, C>G on the plus strand (G>C on the coding strand, the complement: ERAP1 is on the minus strand). VCF-style: chr5-96803547-C-G. GRCh37 (hg19) VCF-style: chr5-96139250-C-G.
Other names: c.380G>C, p.Arg127Pro (NM_001198541.3, NM_001349244.2, NM_016442.5); short protein forms R127P.
Identifiers: ClinVar variation 2688544 (VCV002688544.2), dbSNP rs26653, ClinGen allele CA3352578.
Genomic context (GRCh38, chr5:96,803,547, plus strand): 5'-ACTGTGTACGGGAGCCCGACAAGGAGGGGCTCGGGAGCCAGCAGTGCAATTTGCTCCTGA[C>G]GGGGGTGTTCCAGGACCTGCAGGGGTTCTTCCGATAGCCTCTCTCCAGCTCCCTTCCTGA-3'
Protein context (NP_001035548.1, residues 117-137): EEPLQVLEHP[Arg127Pro]QEQIALLAPE

ClinVar aggregate classification (germline): Benign (1 of 4 stars; one submission).

Allele frequency attached by ClinVar (database versions not stated): 1000 Genomes Project 0.56250; TOPMed 0.61928; gnomAD 0.63452; ExAC 0.63867; ESP Exome Variant Server 0.64686.
gnomAD v4.1: 1,102,794 of 1,613,416 alleles (68%); highest among the groups gnomAD compares: Non-Finnish European, 72%; 381,926 homozygotes.

Submission:

Unidad de Genómica Garrahan, Hospital de Pediatría Garrahan
Classification: Benign. Last evaluated: 2024-01-24. Review status: criteria provided, single submitter. Criteria: ACMG Guidelines, 2015. Collection method: clinical testing. Allele origin: germline. Affected: no. Observed: 74 variant alleles.
Comment: This variant is classified as Benign based on local population frequency. This variant was detected in 84% of patients studied by a panel of primary immunodeficiencies. Number of patients: 74. Only high quality variants are reported.